The following is an entry in ClinVar:

ClinVar aggregate classification (germline): Uncertain significance (1 of 4 stars; one submission).

gnomAD v4.1: 3 of 1,614,234 alleles (0.00019%); highest among the groups gnomAD compares: Admixed American, 0.0017%; no homozygotes.

Submission:

GeneDx
Classification: Uncertain significance. Last evaluated: 2026-07-20. Review status: criteria provided, single submitter. Criteria: GeneDx Variant Classification Process June 2021. Collection method: clinical testing. Allele origin: germline.
Comment: Not observed at significant frequency in large population cohorts (gnomAD); In silico analysis supports that this missense variant has a deleterious effect on protein structure/function; Has not been previously published as pathogenic or benign to our knowledge

NM_002609.4(PDGFRB):c.518A>G (p.Tyr173Cys)

Gene: PDGFRB (platelet derived growth factor receptor beta; minus strand). Cytogenetic location: 5q32.
Variant type: single nucleotide variant.
Coding change: c.518A>G on transcript NM_002609.4 (MANE Select); coding-DNA position 518, A replaced by G.
Protein change: p.Tyr173Cys; replaces tyrosine 173 with cysteine.
Molecular consequence: missense variant. On other transcripts: initiator codon variant (1).
Genome position (GRCh38, 1-based): chr5:150,134,863, T>C on the plus strand (A>G on the coding strand, the complement: PDGFRB is on the minus strand). VCF-style: chr5-150134863-T-C. GRCh37 (hg19) VCF-style: chr5-149514426-T-C.
Other names: c.326A>G, p.Tyr109Cys (NM_001355016.2); c.1A>G, p.Met1Val (NM_001355017.2); short protein forms M1V, Y109C, Y173C.
Identifiers: ClinVar variation 3381287 (VCV003381287.2).